The following is an entry in ClinVar:

GRCh38/hg38 16p13.11(chr16:14816348-16100721)x1

Genes: ABCC1 (ATP binding cassette subfamily C member 1 (ABCC1 blood group); plus strand), BMERB1 (bMERB domain containing 1; plus strand), CEP20 (centrosomal protein 20; minus strand), MARF1 (meiosis regulator and mRNA stability factor 1; minus strand), MIR1972-1 (microRNA 1972-1; minus strand) and 38 more. Cytogenetic location: 16p13.11.
Variant type: copy number loss.
Change: copy number 1 (one copy instead of two) of chr16:14,816,348-16,100,721 (1.28 Mb, GRCh38 coordinates, 1-based), cytogenetic band 16p13.11.
Identifiers: ClinVar variation 160807 (VCV000160807.1).

ClinVar aggregate classification (germline): Pathogenic (1 of 4 stars; one submission).

Submission:

ISCA site 4
Classification: Pathogenic. Last evaluated: 2011-08-12. Review status: criteria provided, single submitter. Criteria: Kaminsky et al. (Genet Med. 2011). Collection method: clinical testing. Allele origin: de novo. Affected: yes. Observed: 1 variant allele.
Comment: Copy number variation identified through the course of routine clinical cytogenomic testing in postnatal populations. Clinical assertions have been curated as described in Kaminsky et al. 2011.